The following is an entry in ClinVar:

NM_001457.4(FLNB):c.2605A>T (p.Thr869Ser)

Gene: FLNB (filamin B; plus strand). Cytogenetic location: 3p14.3.
Variant type: single nucleotide variant.
Coding change: c.2605A>T on transcript NM_001457.4 (MANE Select); coding-DNA position 2605, A replaced by T.
Protein change: p.Thr869Ser; replaces threonine 869 with serine.
Molecular consequence: missense variant.
Genome position (GRCh38, 1-based): chr3:58,112,178, A>T. VCF-style: chr3-58112178-A-T. GRCh37 (hg19) VCF-style: chr3-58097905-A-T.
Other names: c.2605A>T, p.Thr869Ser (NM_001164317.2, NM_001164318.2, NM_001164319.2); short protein forms T869S.
Identifiers: ClinVar variation 2776420 (VCV002776420.3), dbSNP rs2097269987, ClinGen allele CA353345800.

ClinVar aggregate classification (germline): Uncertain significance (1 of 4 stars; one submission).

Allele frequency attached by ClinVar (database versions not stated): gnomAD 0.00001; TOPMed 0.00001.
gnomAD v4.1: 4 of 1,613,942 alleles (0.00025%); highest among the groups gnomAD compares: Admixed American, 0.0033%; no homozygotes.

Submission:

Labcorp Genetics (formerly Invitae), Labcorp
Classification: Uncertain significance. Last evaluated: 2024-01-03. Review status: criteria provided, single submitter. Criteria: Invitae Variant Classification Sherloc (09022015). Collection method: clinical testing. Allele origin: germline.
Comment: This sequence change replaces threonine, which is neutral and polar, with serine, which is neutral and polar, at codon 869 of the FLNB protein (p.Thr869Ser). This variant is not present in population databases (gnomAD no frequency). This variant has not been reported in the literature in individuals affected with FLNB-related conditions. Advanced modeling of protein sequence and biophysical properties (such as structural, functional, and spatial information, amino acid conservation, physicochemical variation, residue mobility, and thermodynamic stability) performed at Invitae indicates that this missense variant is not expected to disrupt FLNB protein function with a negative predictive value of 95%. In summary, the available evidence is currently insufficient to determine the role of this variant in disease. Therefore, it has been classified as a Variant of Uncertain Significance.